The following is an entry in ClinVar:

ClinVar aggregate classification (germline): Uncertain significance (1 of 4 stars; one submission).

Conditions:
Retinitis pigmentosa 73 (RP73). Identifiers: Orphanet 791, MedGen C4225287, MONDO:0014687, OMIM 616544.
Mucopolysaccharidosis, MPS-III-C (MPS3C). Also called: SANFILIPPO SYNDROME C; MPS III C; Mucopolysaccharidosis type IIIC (Sanfilippo C); MUCOPOLYSACCHARIDOSIS, TYPE IIIC; mucopolysaccharidosis type 3C; MPS IIIC (Sanfilippo Syndrome Type C). Identifiers: Orphanet 581, Orphanet 79271, MedGen C0086649, MONDO:0009657, OMIM 252930.

Submission:

Labcorp Genetics (formerly Invitae), Labcorp
Classification: Uncertain significance for Retinitis pigmentosa 73; Mucopolysaccharidosis, MPS-III-C. Last evaluated: 2022-05-28. Review status: criteria provided, single submitter. Criteria: Invitae Variant Classification Sherloc (09022015). Collection method: clinical testing. Allele origin: germline.
Comment: Advanced modeling of protein sequence and biophysical properties (such as structural, functional, and spatial information, amino acid conservation, physicochemical variation, residue mobility, and thermodynamic stability) performed at Invitae indicates that this missense variant is not expected to disrupt HGSNAT protein function. In summary, the available evidence is currently insufficient to determine the role of this variant in disease. Therefore, it has been classified as a Variant of Uncertain Significance. This variant has not been reported in the literature in individuals affected with HGSNAT-related conditions. This variant is not present in population databases (gnomAD no frequency). This sequence change replaces threonine, which is neutral and polar, with lysine, which is basic and polar, at codon 568 of the HGSNAT protein (p.Thr568Lys).

NM_152419.3(HGSNAT):c.1703C>A (p.Thr568Lys)

Gene: HGSNAT (heparan-alpha-glucosaminide N-acetyltransferase; plus strand). Cytogenetic location: 8p11.21.
Variant type: single nucleotide variant.
Coding change: c.1703C>A on transcript NM_152419.3 (MANE Select); coding-DNA position 1703, C replaced by A.
Protein change: p.Thr568Lys; replaces threonine 568 with lysine.
Molecular consequence: missense variant.
Genome position (GRCh38, 1-based): chr8:43,197,929, C>A. VCF-style: chr8-43197929-C-A. GRCh37 (hg19) VCF-style: chr8-43053072-C-A.
Other names: c.1790C>A, p.Thr597Lys (NM_001363227.2); c.1511C>A, p.Thr504Lys (NM_001363228.2); c.839C>A, p.Thr280Lys (NM_001363229.2); short protein forms T280K, T597K, T568K, T504K.
Identifiers: ClinVar variation 2000197 (VCV002000197.4), dbSNP rs1157493942, ClinGen allele CA371120787.